The following is an entry in ClinVar:

ClinVar aggregate classification (germline): Uncertain significance. Review status: criteria provided, multiple submitters, no conflicts (2 of 4 stars). 3 submissions from 3 submitters: Uncertain significance (2). 1 of the submissions does not count toward it. Last evaluated 2023-06-17.

Conditions:
Hereditary cancer-predisposing syndrome. Also called: Hereditary Cancer Syndrome; Neoplastic Syndromes, Hereditary; Hereditary neoplastic syndrome; Tumor predisposition. Identifiers: Orphanet 140162, MedGen C0027672, MeSH D009386, MONDO:0015356.
Ataxia-telangiectasia syndrome (AT). Also called: Cerebello-oculocutaneous telangiectasia; Immunodeficiency with ataxia telangiectasia; Ataxia-telangiectasia, complementation group E; Ataxia-telangiectasia, complementation group D; AT, COMPLEMENTATION GROUP C; ATAXIA-TELANGIECTASIA, COMPLEMENTATION GROUP A. Identifiers: Orphanet 100, MedGen C0004135, MONDO:0008840, OMIM 208900.

gnomAD v4.1: 2 of 1,613,676 alleles (0.00012%); highest among the groups gnomAD compares: Non-Finnish European, 0.00017%; no homozygotes.

Submissions (3):

Ambry Genetics
Classification: Uncertain significance for Hereditary cancer-predisposing syndrome. Last evaluated: 2023-06-17. Review status: criteria provided, single submitter. Criteria: Ambry Variant Classification Scheme 2023. Collection method: clinical testing. Allele origin: germline.
Comment: The p.Y705H variant (also known as c.2113T>C), located in coding exon 12 of the ATM gene, results from a T to C substitution at nucleotide position 2113. The tyrosine at codon 705 is replaced by histidine, an amino acid with similar properties. This amino acid position is not well conserved in available vertebrate species. In addition, the in silico prediction for this alteration is inconclusive. Since supporting evidence is limited at this time, the clinical significance of this alteration remains unclear.

Labcorp Genetics (formerly Invitae), Labcorp
Classification: Uncertain significance for Ataxia-telangiectasia syndrome. Last evaluated: 2022-11-09. Review status: criteria provided, single submitter. Criteria: Invitae Variant Classification Sherloc (09022015). Collection method: clinical testing. Allele origin: germline.
Comment: In summary, the available evidence is currently insufficient to determine the role of this variant in disease. Therefore, it has been classified as a Variant of Uncertain Significance. Algorithms developed to predict the effect of missense changes on protein structure and function output the following: SIFT: "Tolerated"; PolyPhen-2: "Benign"; Align-GVGD: "Class C0". The histidine amino acid residue is found in multiple mammalian species, which suggests that this missense change does not adversely affect protein function. ClinVar contains an entry for this variant (Variation ID: 820750). This variant has not been reported in the literature in individuals affected with ATM-related conditions. This variant is not present in population databases (gnomAD no frequency). This sequence change replaces tyrosine, which is neutral and polar, with histidine, which is basic and polar, at codon 705 of the ATM protein (p.Tyr705His).

Natera, Inc.
Classification: Uncertain significance for Ataxia-telangiectasia. Last evaluated: 2020-07-29. Review status: no assertion criteria provided. Collection method: clinical testing. Allele origin: germline. Not counted in ClinVar's aggregate classification.

NM_000051.4(ATM):c.2113T>C (p.Tyr705His)

Gene: ATM (ATM serine/threonine kinase; plus strand). Cytogenetic location: 11q22.3.
Variant type: single nucleotide variant.
Coding change: c.2113T>C on transcript NM_000051.4 (MANE Select); coding-DNA position 2113, T replaced by C.
Protein change: p.Tyr705His; replaces tyrosine 705 with histidine.
Molecular consequence: missense variant.
Genome position (GRCh38, 1-based): chr11:108,254,028, T>C. VCF-style: chr11-108254028-T-C. GRCh37 (hg19) VCF-style: chr11-108124755-T-C.
Other names: c.2113T>C, p.Tyr705His (NM_001351834.2); short protein forms Y705H.
Identifiers: ClinVar variation 820750 (VCV000820750.8), dbSNP rs757260641, ClinGen allele CA382537748.